The following is an entry in ClinVar:

NM_000132.4(F8):c.787+3A>T

Gene: F8 (coagulation factor VIII; minus strand). Cytogenetic location: Xq28.
Variant type: single nucleotide variant.
Coding change: c.787+3A>T on transcript NM_000132.4 (MANE Select); 3 bases into the intron after coding-DNA position 787, A replaced by T.
Molecular consequence: intron variant.
Genome position (GRCh38, 1-based): chrX:154,984,684, T>A on the plus strand (A>T on the coding strand, the complement: F8 is on the minus strand). VCF-style: chrX-154984684-T-A. GRCh37 (hg19) VCF-style: chrX-154212959-T-A.
Other names: p.?.
Identifiers: ClinVar variation 3380769 (VCV003380769.1).

ClinVar aggregate classification (germline): Uncertain significance (1 of 4 stars; one submission).

Submission:

Mayo Clinic Laboratories, Mayo Clinic
Classification: Uncertain significance. Last evaluated: 2024-09-26. Review status: criteria provided, single submitter. Criteria: ACMG Guidelines, 2015. Collection method: clinical testing. Allele origin: germline. Observed: 1 variant allele.
Comment: PM2, PM5_supporting, PS4_moderate

Literature cited by the submitters: PubMed 11442643; PubMed 15670040; PubMed 23280990; PubMed 29296726; PubMed 32166871; PubMed 8069313.